The following is an entry in ClinVar:

NM_000199.5(SGSH):c.120C>G (p.Tyr40Ter)

Gene: SGSH (N-sulfoglucosamine sulfohydrolase; minus strand). Cytogenetic location: 17q25.3.
Variant type: single nucleotide variant.
Coding change: c.120C>G on transcript NM_000199.5 (MANE Select); coding-DNA position 120, C replaced by G.
Protein change: p.Tyr40Ter; replaces tyrosine 40 with a stop codon.
Molecular consequence: nonsense. On other transcripts: non-coding transcript variant (1).
Genome position (GRCh38, 1-based): chr17:80,217,161, G>C on the plus strand (C>G on the coding strand, the complement: SGSH is on the minus strand). VCF-style: chr17-80217161-G-C. GRCh37 (hg19) VCF-style: chr17-78190960-G-C.
Other names: c.120C>G, p.Tyr40Ter (NM_001352921.3, NM_001352922.2); c.120C>G (NM_000199.4); short protein forms Y40*.
Identifiers: ClinVar variation 2736689 (VCV002736689.4), dbSNP rs562933313, ClinGen allele CA401364626.

ClinVar aggregate classification (germline): Pathogenic. Review status: criteria provided, multiple submitters, no conflicts (2 of 4 stars). 2 submissions from 2 submitters: Pathogenic (2). Last evaluated 2025-08-31.

Conditions:
Mucopolysaccharidosis, MPS-III-A (MPS3A). Also called: HEPARAN SULFATE SULFATASE DEFICIENCY; SANFILIPPO SYNDROME A; SULFAMIDASE DEFICIENCY; MPS III A; Mucopolysaccharidosis type IIIA (Sanfilippo A); MUCOPOLYSACCHARIDOSIS, TYPE IIIA, ATTENUATED. Identifiers: Orphanet 581, Orphanet 79269, MedGen C0086647, MONDO:0009655, OMIM 252900.

Allele frequency attached by ClinVar (database versions not stated): gnomAD 0.00001.
gnomAD v4.1: 1 of 1,601,298 alleles (0.000062%); highest among the groups gnomAD compares: African/African-American, 0.0013%; no homozygotes.

Submissions (2):

Natera, Inc.
Classification: Pathogenic for Mucopolysaccharidosis type IIIA. Last evaluated: 2025-08-31. Review status: criteria provided, single submitter. Criteria: Natera Variant Classification Schema (03/2026). Collection method: clinical testing. Allele origin: germline.
Comment: The c.120C>G variant in SGSH is a nonsense variant predicted to introduce a stop codon at amino acid 40. This variant is expected to result in nonsense mediated decay, truncation, or a dysfunctional protein product. This variant is rare in the general population with a frequency below the threshold expected for the associated phenotype(s). This variant has been observed in one or more individuals affected with the associated recessive disease, as either homozygous or compound heterozygous with a second variant (PMID: 24767253). Given the available evidence, this variant is classified as Pathogenic.

Labcorp Genetics (formerly Invitae), Labcorp
Classification: Pathogenic for Mucopolysaccharidosis, MPS-III-A. Last evaluated: 2023-02-26. Review status: criteria provided, single submitter. Criteria: Invitae Variant Classification Sherloc (09022015). Collection method: clinical testing. Allele origin: germline.
Comment: This sequence change creates a premature translational stop signal (p.Tyr40*) in the SGSH gene. It is expected to result in an absent or disrupted protein product. Loss-of-function variants in SGSH are known to be pathogenic (PMID: 11182930, 21204211, 22976768). This variant is not present in population databases (gnomAD no frequency). This premature translational stop signal has been observed in individual(s) with mucopolysaccharidosis type III (PMID: 15902564). For these reasons, this variant has been classified as Pathogenic.

Literature cited by the submitters: PubMed 24767253 (cited by Natera, Inc.); PubMed 11182930 (cited by Labcorp Genetics (formerly Invitae), Labcorp); PubMed 21204211 (cited by Labcorp Genetics (formerly Invitae), Labcorp); PubMed 22976768 (cited by Labcorp Genetics (formerly Invitae), Labcorp); PubMed 15902564 (cited by Labcorp Genetics (formerly Invitae), Labcorp).